The following is an entry in ClinVar:

NM_002691.4(POLD1):c.1918A>T (p.Thr640Ser)

Gene: POLD1 (DNA polymerase delta 1, catalytic subunit; plus strand). Cytogenetic location: 19q13.33.
Variant type: single nucleotide variant.
Coding change: c.1918A>T on transcript NM_002691.4 (MANE Select); coding-DNA position 1918, A replaced by T.
Protein change: p.Thr640Ser; replaces threonine 640 with serine.
Molecular consequence: missense variant. On other transcripts: non-coding transcript variant (1).
Genome position (GRCh38, 1-based): chr19:50,409,147, A>T. VCF-style: chr19-50409147-A-T. GRCh37 (hg19) VCF-style: chr19-50912404-A-T.
Other names: c.1918A>T, p.Thr640Ser (NM_001256849.1, NM_001438210.1, NM_001438211.1 and 2 more transcripts); c.1996A>T, p.Thr666Ser (NM_001308632.1); short protein forms T640S, T666S.
Identifiers: ClinVar variation 4140996 (VCV004140996.1).

ClinVar aggregate classification (germline): Uncertain significance (1 of 4 stars; one submission).

Conditions:
Hereditary cancer-predisposing syndrome. Also called: Hereditary neoplastic syndrome; Neoplastic Syndromes, Hereditary; Tumor predisposition; Hereditary Cancer Syndrome. Identifiers: Orphanet 140162, MedGen C0027672, MeSH D009386, MONDO:0015356.

Submission:

Ambry Genetics
Classification: Uncertain significance for Hereditary cancer-predisposing syndrome. Last evaluated: 2025-07-07. Review status: criteria provided, single submitter. Criteria: Ambry Variant Classification Scheme 2023. Collection method: clinical testing. Allele origin: germline.
Comment: The p.T640S variant (also known as c.1918A>T), located in coding exon 15 of the POLD1 gene, results from an A to T substitution at nucleotide position 1918. The threonine at codon 640 is replaced by serine, an amino acid with similar properties. This amino acid position is conserved. In addition, this alteration is predicted to be tolerated by in silico analysis. Based on the available evidence, the clinical significance of this variant remains unclear.